The following is an entry in ClinVar:

NM_001355436.2(SPTB):c.964A>G (p.Ile322Val)

Gene: SPTB (spectrin beta, erythrocytic; minus strand). Cytogenetic location: 14q23.3.
Variant type: single nucleotide variant.
Coding change: c.964A>G on transcript NM_001355436.2 (MANE Select); coding-DNA position 964, A replaced by G.
Protein change: p.Ile322Val; replaces isoleucine 322 with valine.
Molecular consequence: missense variant.
Genome position (GRCh38, 1-based): chr14:64,799,847, T>C on the plus strand (A>G on the coding strand, the complement: SPTB is on the minus strand). VCF-style: chr14-64799847-T-C. GRCh37 (hg19) VCF-style: chr14-65266565-T-C.
Other names: c.964A>G, p.Ile322Val (NM_001024858.4, NM_001355437.2); short protein forms I322V.
Identifiers: ClinVar variation 3053891 (VCV003053891.17), dbSNP rs202239352, ClinGen allele CA7231267.

ClinVar aggregate classification (germline): Conflicting classifications of pathogenicity. Review status: criteria provided, conflicting classifications (1 of 4 stars). 3 submissions from 3 submitters: Uncertain significance (1); Likely benign (1). 1 of the submissions does not count toward it. Last evaluated 2025-01-27.

Conditions:
SPTB-related disorder. Also called: SPTB-Related Disorders; SPTB-related condition.

Allele frequency attached by ClinVar (database versions not stated): ESP Exome Variant Server 0.00015; 1000 Genomes Project 30x 0.00016; gnomAD exomes 0.00018; gnomAD 0.00019; 1000 Genomes Project 0.00020; ExAC 0.00021; TOPMed 0.00022.
gnomAD v4.1: 290 of 1,614,256 alleles (0.018%); highest among the groups gnomAD compares: Middle Eastern, 0.049%; no homozygotes.

Submissions (3):

Labcorp Genetics (formerly Invitae), Labcorp
Classification: Uncertain significance. Last evaluated: 2025-01-27. Review status: criteria provided, single submitter. Criteria: Invitae Variant Classification Sherloc (09022015). Collection method: clinical testing. Allele origin: germline.
Comment: This sequence change replaces isoleucine, which is neutral and non-polar, with valine, which is neutral and non-polar, at codon 322 of the SPTB protein (p.Ile322Val). This variant is present in population databases (rs202239352, gnomAD 0.04%). This variant has not been reported in the literature in individuals affected with SPTB-related conditions. ClinVar contains an entry for this variant (Variation ID: 3053891). An algorithm developed to predict the effect of missense changes on protein structure and function outputs the following: PolyPhen-2: "Benign". The valine amino acid residue is found in multiple mammalian species, which suggests that this missense change does not adversely affect protein function. In summary, the available evidence is currently insufficient to determine the role of this variant in disease. Therefore, it has been classified as a Variant of Uncertain Significance.

CeGaT Center for Human Genetics Tuebingen
Classification: Likely benign. Last evaluated: 2024-12-01. Review status: criteria provided, single submitter. Criteria: CeGaT Center For Human Genetics Tuebingen Variant Classification Criteria Version 2. Collection method: clinical testing. Allele origin: germline. Affected: yes. Observed: 1 variant allele.
Comment: SPTB: BP4

PreventionGenetics, part of Exact Sciences
Classification: Likely benign for SPTB-related condition. Last evaluated: 2021-12-15. Review status: no assertion criteria provided. Collection method: clinical testing. Allele origin: germline. Not counted in ClinVar's aggregate classification.
Comment: This variant is classified as likely benign based on ACMG/AMP sequence variant interpretation guidelines (Richards et al. 2015 PMID: 25741868, with internal and published modifications).